The following is an entry in ClinVar:

ClinVar aggregate classification (germline): Uncertain significance (1 of 4 stars; one submission).

Submission:

Ambry Genetics
Classification: Uncertain significance. Last evaluated: 2026-02-04. Review status: criteria provided, single submitter. Criteria: Ambry Variant Classification Scheme 2023. Collection method: clinical testing. Allele origin: germline.
Comment: The p.K34Q variant (also known as c.100A>C), located in coding exon 2 of the RPS20 gene, results from an A to C substitution at nucleotide position 100. The lysine at codon 34 is replaced by glutamine, an amino acid with similar properties. This amino acid position is highly conserved in available vertebrate species. In addition, the in silico prediction for this alteration is inconclusive. Based on the available evidence, the clinical significance of this variant remains unclear.

NM_001023.4(RPS20):c.100A>C (p.Lys34Gln)

Gene: RPS20 (ribosomal protein S20; minus strand). Cytogenetic location: 8q12.1.
Variant type: single nucleotide variant.
Coding change: c.100A>C on transcript NM_001023.4 (MANE Select); coding-DNA position 100, A replaced by C.
Protein change: p.Lys34Gln; replaces lysine 34 with glutamine.
Molecular consequence: missense variant.
Genome position (GRCh38, 1-based): chr8:56,074,063, T>G on the plus strand (A>C on the coding strand, the complement: RPS20 is on the minus strand). VCF-style: chr8-56074063-T-G. GRCh37 (hg19) VCF-style: chr8-56986622-T-G.
Other names: c.100A>C, p.Lys34Gln (NM_001146227.3); short protein forms K34Q.
Identifiers: ClinVar variation 4844310 (VCV004844310.1).